The following is an entry in ClinVar:

ClinVar aggregate classification (germline): Uncertain significance (1 of 4 stars; one submission).

Conditions:
Charcot-Marie-Tooth disease type 1C. Also called: CMT, SLOW NERVE CONDUCTION TYPE C; HMSN IC; Charcot-Marie-Tooth disease, type IC; CHARCOT-MARIE-TOOTH DISEASE, DEMYELINATING, TYPE 1C; CHARCOT-MARIE-TOOTH NEUROPATHY, TYPE 1C; NEUROPATHY, HEREDITARY MOTOR AND SENSORY, TYPE IC. Identifiers: Orphanet 101083, MedGen C0270913, MONDO:0010995, OMIM 601098.

Allele frequency attached by ClinVar (database versions not stated): gnomAD exomes below 0.00001 and 0.00001; TOPMed below 0.00001.

Submission:

Labcorp Genetics (formerly Invitae), Labcorp
Classification: Uncertain significance for Charcot-Marie-Tooth disease type 1C. Last evaluated: 2024-12-16. Review status: criteria provided, single submitter. Criteria: Invitae Variant Classification Sherloc (09022015). Collection method: clinical testing. Allele origin: germline.
Comment: This sequence change replaces proline, which is neutral and non-polar, with leucine, which is neutral and non-polar, at codon 58 of the LITAF protein (p.Pro58Leu). This variant is present in population databases (no rsID available, gnomAD 0.003%). This variant has not been reported in the literature in individuals affected with LITAF-related conditions. ClinVar contains an entry for this variant (Variation ID: 1386290). An algorithm developed to predict the effect of missense changes on protein structure and function (PolyPhen-2) suggests that this variant is likely to be tolerated. In summary, the available evidence is currently insufficient to determine the role of this variant in disease. Therefore, it has been classified as a Variant of Uncertain Significance.

NM_001136472.2(LITAF):c.173C>T (p.Pro58Leu)

Gene: LITAF (lipopolysaccharide induced TNF factor; minus strand). Cytogenetic location: 16p13.13.
Variant type: single nucleotide variant.
Coding change: c.173C>T on transcript NM_001136472.2 (MANE Select); coding-DNA position 173, C replaced by T.
Protein change: p.Pro58Leu; replaces proline 58 with leucine.
Molecular consequence: missense variant. On other transcripts: non-coding transcript variant (1).
Genome position (GRCh38, 1-based): chr16:11,556,558, G>A on the plus strand (C>T on the coding strand, the complement: LITAF is on the minus strand). VCF-style: chr16-11556558-G-A. GRCh37 (hg19) VCF-style: chr16-11650414-G-A.
Other names: c.173C>T, p.Pro58Leu (NM_001136473.1, NM_004862.4); short protein forms P58L.
Identifiers: ClinVar variation 1386290 (VCV001386290.8), dbSNP rs1313689306, ClinGen allele CA394767999.